The following is an entry in ClinVar:

ClinVar aggregate classification (germline): Uncertain significance (1 of 4 stars; one submission).

Conditions:
Methylcobalamin deficiency type cblG (HMAG). Also called: HOMOCYSTINURIA-MEGALOBLASTIC ANEMIA, cblG COMPLEMENTATION TYPE; HOMOCYSTINURIA-MEGALOBLASTIC ANEMIA, cblG TYPE; Functional methionine synthase deficiency type cblG; HOMOCYSTINURIA-MEGALOBLASTIC ANEMIA DUE TO DEFECT IN COBALAMIN METABOLISM, cblG COMPLEMENTATION TYPE. Identifiers: Orphanet 2170, Orphanet 622, MedGen C1855128, MONDO:0009609, OMIM 250940.

Submission:

Labcorp Genetics (formerly Invitae), Labcorp
Classification: Uncertain significance for Methylcobalamin deficiency type cblG. Last evaluated: 2021-08-10. Review status: criteria provided, single submitter. Criteria: Invitae Variant Classification Sherloc (09022015). Collection method: clinical testing. Allele origin: germline.
Comment: This sequence change replaces arginine with threonine at codon 849 of the MTR protein (p.Arg849Thr). The arginine residue is highly conserved and there is a moderate physicochemical difference between arginine and threonine. This variant is not present in population databases (ExAC no frequency). In summary, the available evidence is currently insufficient to determine the role of this variant in disease. Therefore, it has been classified as a Variant of Uncertain Significance. Algorithms developed to predict the effect of missense changes on protein structure and function (SIFT, PolyPhen-2, Align-GVGD) all suggest that this variant is likely to be disruptive. This variant has not been reported in the literature in individuals affected with MTR-related conditions.

NM_000254.3(MTR):c.2546G>C (p.Arg849Thr)

Gene: MTR (5-methyltetrahydrofolate-homocysteine methyltransferase; plus strand). Cytogenetic location: 1q43.
Variant type: single nucleotide variant.
Coding change: c.2546G>C on transcript NM_000254.3 (MANE Select); coding-DNA position 2546, G replaced by C.
Protein change: p.Arg849Thr; replaces arginine 849 with threonine.
Molecular consequence: missense variant.
Genome position (GRCh38, 1-based): chr1:236,874,798, G>C. VCF-style: chr1-236874798-G-C. GRCh37 (hg19) VCF-style: chr1-237038098-G-C.
Other names: c.2393G>C, p.Arg798Thr (NM_001291939.1); c.1325G>C, p.Arg442Thr (NM_001291940.2); short protein forms R442T, R798T, R849T.
Identifiers: ClinVar variation 1480253 (VCV001480253.6), dbSNP rs2147881808, ClinGen allele CA345381979.